The following is an entry in ClinVar:

NM_016038.4(SBDS):c.538G>A (p.Val180Ile)

Gene: SBDS (SBDS ribosome maturation factor; minus strand). Cytogenetic location: 7q11.21.
Variant type: single nucleotide variant.
Coding change: c.538G>A on transcript NM_016038.4 (MANE Select); coding-DNA position 538, G replaced by A.
Protein change: p.Val180Ile; replaces valine 180 with isoleucine.
Molecular consequence: missense variant.
Genome position (GRCh38, 1-based): chr7:66,991,223, C>T on the plus strand (G>A on the coding strand, the complement: SBDS is on the minus strand). VCF-style: chr7-66991223-C-T. GRCh37 (hg19) VCF-style: chr7-66456210-C-T.
Other names: short protein forms V180I.
Identifiers: ClinVar variation 3437545 (VCV003437545.1).

ClinVar aggregate classification (germline): Uncertain significance (1 of 4 stars; one submission).

Conditions:
Inborn genetic diseases. Identifiers: MedGen C0950123, MeSH D030342.

gnomAD v4.1: 4 of 1,613,888 alleles (0.00025%); highest among the groups gnomAD compares: Non-Finnish European, 0.00034%; no homozygotes.

Submission:

Ambry Genetics
Classification: Uncertain significance for Inborn genetic diseases. Last evaluated: 2024-12-08. Review status: criteria provided, single submitter. Criteria: Ambry Variant Classification Scheme 2023. Collection method: clinical testing. Allele origin: germline.
Comment: The p.V180I variant (also known as c.538G>A), located in coding exon 4 of the SBDS gene, results from a G to A substitution at nucleotide position 538. The valine at codon 180 is replaced by isoleucine, an amino acid with highly similar properties. This amino acid position is conserved. In addition, this alteration is predicted to be tolerated by in silico analysis. Based on the available evidence, the clinical significance of this variant remains unclear.